The following is an entry in ClinVar:

ClinVar aggregate classification (germline): Uncertain significance. Review status: criteria provided, multiple submitters, no conflicts (2 of 4 stars). 2 submissions from 2 submitters: Uncertain significance (2). Last evaluated 2025-04-23.

Conditions:
Cardiovascular phenotype. Identifiers: MedGen CN230736.

Allele frequency attached by ClinVar (database versions not stated): gnomAD exomes below 0.00001.
gnomAD v4.1: 1 of 1,614,074 alleles (0.000062%); highest among the groups gnomAD compares: Non-Finnish European, 0.000085%; no homozygotes.

Submissions (2):

Ambry Genetics
Classification: Uncertain significance for Cardiovascular phenotype. Last evaluated: 2025-04-23. Review status: criteria provided, single submitter. Criteria: Ambry Variant Classification Scheme 2023. Collection method: clinical testing. Allele origin: germline.
Comment: The p.V778F variant (also known as c.2332G>T), located in coding exon 6 of the ALPK3 gene, results from a G to T substitution at nucleotide position 2332. The valine at codon 778 is replaced by phenylalanine, an amino acid with highly similar properties. This amino acid position is conserved. In addition, this alteration is predicted to be tolerated by in silico analysis. Based on the available evidence, the clinical significance of this variant remains unclear.

Labcorp Genetics (formerly Invitae), Labcorp
Classification: Uncertain significance. Last evaluated: 2023-04-08. Review status: criteria provided, single submitter. Criteria: Invitae Variant Classification Sherloc (09022015). Collection method: clinical testing. Allele origin: germline.
Comment: This variant is not present in population databases (gnomAD no frequency). This sequence change replaces valine, which is neutral and non-polar, with phenylalanine, which is neutral and non-polar, at codon 778 of the ALPK3 protein (p.Val778Phe). This variant has not been reported in the literature in individuals affected with ALPK3-related conditions. Advanced modeling of protein sequence and biophysical properties (such as structural, functional, and spatial information, amino acid conservation, physicochemical variation, residue mobility, and thermodynamic stability) performed at Invitae indicates that this missense variant is not expected to disrupt ALPK3 protein function. In summary, the available evidence is currently insufficient to determine the role of this variant in disease. Therefore, it has been classified as a Variant of Uncertain Significance.

NM_020778.5(ALPK3):c.1726G>T (p.Val576Phe)

Gene: ALPK3 (alpha kinase 3; plus strand). Cytogenetic location: 15q25.3.
Variant type: single nucleotide variant.
Coding change: c.1726G>T on transcript NM_020778.5 (MANE Select); coding-DNA position 1726, G replaced by T.
Protein change: p.Val576Phe; replaces valine 576 with phenylalanine.
Molecular consequence: missense variant.
Genome position (GRCh38, 1-based): chr15:84,856,464, G>T. VCF-style: chr15-84856464-G-T. GRCh37 (hg19) VCF-style: chr15-85399695-G-T.
Other names: c.2332G>T (NM_020778.4); short protein forms V576F.
Identifiers: ClinVar variation 2793212 (VCV002793212.4), dbSNP rs2505718838, ClinGen allele CA393354375.
Genomic context (GRCh38, chr15:84,856,464, plus strand): 5'-CAGACAACCACGGCTCCTACCATGTCGGCCAGCAGCAGCTCTGATGTAGCCTCCATTGGG[G>T]TTAGCACTTCCGGAAGTCAAGGTATCATTGAACCCATGGATATGGAAACCCAGGAGGATG-3'
Protein context (NP_065829.4, residues 566-586): SSSSDVASIG[Val576Phe]STSGSQGIIE